The following is an entry in ClinVar:

ClinVar aggregate classification (germline): Uncertain significance (1 of 4 stars; one submission).

Conditions:
Severe myoclonic epilepsy in infancy (DRVT). Also called: Severe Myoclonic Epilepsy in Infancy (SMEI); SEVERE MYOCLONIC EPILEPSY OF INFANCY; DEVELOPMENTAL AND EPILEPTIC ENCEPHALOPATHY 6A; Epileptic encephalopathy, early infantile, 6 (Dravet syndrome); Dravet syndrome. Identifiers: Orphanet 33069, MedGen C0751122, MONDO:0100135, OMIM 607208.

Submission:

Labcorp Genetics (formerly Invitae), Labcorp
Classification: Uncertain significance for Severe myoclonic epilepsy in infancy. Last evaluated: 2022-07-12. Review status: criteria provided, single submitter. Criteria: Invitae Variant Classification Sherloc (09022015). Collection method: clinical testing. Allele origin: germline.
Comment: In summary, the available evidence is currently insufficient to determine the role of this variant in disease. Therefore, it has been classified as a Variant of Uncertain Significance. Algorithms developed to predict the effect of missense changes on protein structure and function are either unavailable or do not agree on the potential impact of this missense change (SIFT: "Deleterious"; PolyPhen-2: "Possibly Damaging"; Align-GVGD: "Class C0"). ClinVar contains an entry for this variant (Variation ID: 1465205). This variant has not been reported in the literature in individuals affected with SNX27-related conditions. This variant is not present in population databases (gnomAD no frequency). This sequence change replaces asparagine, which is neutral and polar, with histidine, which is basic and polar, at codon 71 of the SNX27 protein (p.Asn71His).

NM_001330723.2(SNX27):c.211A>C (p.Asn71His)

Gene: SNX27 (sorting nexin 27; plus strand). Cytogenetic location: 1q21.3.
Variant type: single nucleotide variant.
Coding change: c.211A>C on transcript NM_001330723.2 (MANE Select); coding-DNA position 211, A replaced by C.
Protein change: p.Asn71His; replaces asparagine 71 with histidine.
Molecular consequence: missense variant.
Genome position (GRCh38, 1-based): chr1:151,612,412, A>C. VCF-style: chr1-151612412-A-C. GRCh37 (hg19) VCF-style: chr1-151584888-A-C.
Other names: c.211A>C, p.Asn71His (NM_030918.6); short protein forms N71H.
Identifiers: ClinVar variation 1465205 (VCV001465205.7), dbSNP rs1225201475, ClinGen allele CA341974314.